The following is an entry in ClinVar:

ClinVar aggregate classification (germline): Pathogenic (1 of 4 stars; one submission).

gnomAD v4.1: 1 of 1,613,896 alleles (0.000062%); highest among the groups gnomAD compares: Non-Finnish European, 0.000085%; no homozygotes.

Submission:

Labcorp Genetics (formerly Invitae), Labcorp
Classification: Pathogenic. Last evaluated: 2025-03-07. Review status: criteria provided, single submitter. Criteria: Invitae Variant Classification Sherloc (09022015). Collection method: clinical testing. Allele origin: germline.
Comment: This sequence change creates a premature translational stop signal (p.Arg350*) in the HGF gene. It is expected to result in an absent or disrupted protein product. Loss-of-function variants in HGF are known to be pathogenic (PMID: 38676400, 38791500). This variant is not present in population databases (gnomAD no frequency). This variant has not been reported in the literature in individuals affected with HGF-related conditions. ClinVar contains an entry for this variant (Variation ID: 2821398). For these reasons, this variant has been classified as Pathogenic.

Literature cited by the submitters: PubMed 38676400; PubMed 38791500.

NM_000601.6(HGF):c.1048C>T (p.Arg350Ter)

Gene: HGF (hepatocyte growth factor; minus strand). Cytogenetic location: 7q21.11.
Variant type: single nucleotide variant.
Coding change: c.1048C>T on transcript NM_000601.6 (MANE Select); coding-DNA position 1048, C replaced by T.
Protein change: p.Arg350Ter; replaces arginine 350 with a stop codon.
Molecular consequence: nonsense.
Genome position (GRCh38, 1-based): chr7:81,726,010, G>A on the plus strand (C>T on the coding strand, the complement: HGF is on the minus strand). VCF-style: chr7-81726010-G-A. GRCh37 (hg19) VCF-style: chr7-81355326-G-A.
Other names: c.1033C>T, p.Arg345Ter (NM_001010932.3); short protein forms R350*, R345*.
Identifiers: ClinVar variation 2821398 (VCV002821398.3), dbSNP rs373442319, ClinGen allele CA367870115.